The following is an entry in ClinVar:

ClinVar aggregate classification (germline): Uncertain significance (1 of 4 stars; one submission).

Conditions:
Emery-Dreifuss muscular dystrophy 5, autosomal dominant (EDMD5). Also called: EMERY-DREIFUSS MUSCULAR DYSTROPHY 5. Identifiers: Orphanet 261, MedGen C2751805, MONDO:0013072, OMIM 612999.

Allele frequency attached by ClinVar (database versions not stated): gnomAD exomes 0.00001 and 0.00002; TOPMed 0.00003; ExAC 0.00004; gnomAD 0.00005 and 0.00006; ESP Exome Variant Server 0.00008.
gnomAD v4.1: 11 of 1,613,938 alleles (0.00068%); highest among the groups gnomAD compares: African/African-American, 0.0093%; no homozygotes.

Submission:

Labcorp Genetics (formerly Invitae), Labcorp
Classification: Uncertain significance for Emery-Dreifuss muscular dystrophy 5, autosomal dominant. Last evaluated: 2022-03-09. Review status: criteria provided, single submitter. Criteria: Invitae Variant Classification Sherloc (09022015). Collection method: clinical testing. Allele origin: germline.
Comment: Variants that disrupt the consensus splice site are a relatively common cause of aberrant splicing (PMID: 17576681, 9536098). Algorithms developed to predict the effect of sequence changes on RNA splicing suggest that this variant is not likely to affect RNA splicing. In summary, the available evidence is currently insufficient to determine the role of this variant in disease. Therefore, it has been classified as a Variant of Uncertain Significance. ClinVar contains an entry for this variant (Variation ID: 659966). This variant has not been reported in the literature in individuals affected with SYNE2-related conditions. This variant is present in population databases (rs369760846, gnomAD 0.03%). This sequence change falls in intron 78 of the SYNE2 gene. It does not directly change the encoded amino acid sequence of the SYNE2 protein. It affects a nucleotide within the consensus splice site.

Literature cited by the submitters: PubMed 17576681; PubMed 9536098.

NM_182914.3(SYNE2):c.14646+6T>A

Gene: SYNE2 (spectrin repeat containing nuclear envelope protein 2; plus strand). Cytogenetic location: 14q23.2.
Variant type: single nucleotide variant.
Coding change: c.14646+6T>A on transcript NM_182914.3 (MANE Select); 6 bases into the intron after coding-DNA position 14646, T replaced by A.
Molecular consequence: intron variant.
Genome position (GRCh38, 1-based): chr14:64,134,206, T>A. VCF-style: chr14-64134206-T-A. GRCh37 (hg19) VCF-style: chr14-64600924-T-A.
Other names: c.14646+6T>A (NM_015180.6).
Identifiers: ClinVar variation 659966 (VCV000659966.8), dbSNP rs369760846, ClinGen allele CA7222830.